The following is an entry in ClinVar:

NM_000257.4(MYH7):c.3373G>C (p.Glu1125Gln)

Gene: MYH7 (myosin heavy chain 7; minus strand). Cytogenetic location: 14q11.2.
Variant type: single nucleotide variant.
Coding change: c.3373G>C on transcript NM_000257.4 (MANE Select); coding-DNA position 3373, G replaced by C.
Protein change: p.Glu1125Gln; replaces glutamic acid 1125 with glutamine.
Molecular consequence: missense variant.
Genome position (GRCh38, 1-based): chr14:23,420,198, C>G on the plus strand (G>C on the coding strand, the complement: MYH7 is on the minus strand). VCF-style: chr14-23420198-C-G. GRCh37 (hg19) VCF-style: chr14-23889407-C-G.
Other names: p.E1125Q:GAG>CAG; c.3373G>C (LRG_384t1); short protein forms E1125Q.
Identifiers: ClinVar variation 181383 (VCV000181383.13), dbSNP rs730880904, ClinGen allele CA013654.
Genomic context (GRCh38, chr14:23,420,198, plus strand): 5'-CCTCCAGCTCCCGAGACAGGTCTGAGCGCAGCTTCTCCACCTTAGCCCTGGCGGTGCGCT[C>G]GGCCTCCAGCTCCTCCTCCAGCTCCTCGATGCGTGCCTGGTCAGACACAAAGGGCTCAGA-3'
Protein context (NP_000248.2, residues 1115-1135): IEELEEELEA[Glu1125Gln]RTARAKVEKL

ClinVar aggregate classification (germline): Uncertain significance. Review status: criteria provided, multiple submitters, no conflicts (2 of 4 stars). 5 submissions from 5 submitters: Uncertain significance (5). Last evaluated 2025-03-26.

Conditions:
Cardiovascular phenotype. Identifiers: MedGen CN230736.
Cardiomyopathy (CMYO). Also called: Cardiomyopathies. Identifiers: Orphanet 167848, MedGen C0878544, MONDO:0004994, HP:0001638. Inheritance: Various modes of inheritance.
Hypertrophic cardiomyopathy. Also called: HYPERTROPHIC MYOCARDIOPATHY. Identifiers: Orphanet 217569, MedGen C0007194, MeSH D002312, MONDO:0005045, HP:0001639.

Allele frequency attached by ClinVar (database versions not stated): gnomAD exomes below 0.00001.
gnomAD v4.1: 4 of 1,608,248 alleles (0.00025%); highest among the groups gnomAD compares: Non-Finnish European, 0.00034%; no homozygotes.

Submissions (5):

Ambry Genetics
Classification: Uncertain significance for Cardiovascular phenotype. Last evaluated: 2025-03-26. Review status: criteria provided, single submitter. Criteria: Ambry Variant Classification Scheme 2023. Collection method: clinical testing. Allele origin: germline.
Comment: The p.E1125Q variant (also known as c.3373G>C), located in coding exon 25 of the MYH7 gene, results from a G to C substitution at nucleotide position 3373. The glutamic acid at codon 1125 is replaced by glutamine, an amino acid with highly similar properties. This variant was reported in individual(s) with features consistent with hypertrophic cardiomyopathy (Walsh R et al. Genet Med, 2017 Feb;19:192-203; Ambry internal data). This amino acid position is highly conserved in available vertebrate species. In addition, this alteration is predicted to be deleterious by in silico analysis. Since supporting evidence is limited at this time, the clinical significance of this alteration remains unclear.

Blueprint Genetics
Classification: Uncertain significance. Last evaluated: 2024-10-25. Review status: criteria provided, single submitter. Criteria: ACMG Guidelines, 2015. Collection method: clinical testing. Allele origin: germline.

Labcorp Genetics (formerly Invitae), Labcorp
Classification: Uncertain significance for Hypertrophic cardiomyopathy. Last evaluated: 2024-07-21. Review status: criteria provided, single submitter. Criteria: Invitae Variant Classification Sherloc (09022015). Collection method: clinical testing. Allele origin: germline.
Comment: This sequence change replaces glutamic acid, which is acidic and polar, with glutamine, which is neutral and polar, at codon 1125 of the MYH7 protein (p.Glu1125Gln). This variant is not present in population databases (gnomAD no frequency). This missense change has been observed in individual(s) with hypertrophic cardiomyopathy (PMID: 27532257, 37652022). ClinVar contains an entry for this variant (Variation ID: 181383). Advanced modeling of protein sequence and biophysical properties (such as structural, functional, and spatial information, amino acid conservation, physicochemical variation, residue mobility, and thermodynamic stability) performed at Invitae indicates that this missense variant is expected to disrupt MYH7 protein function with a positive predictive value of 95%. In summary, the available evidence is currently insufficient to determine the role of this variant in disease. Therefore, it has been classified as a Variant of Uncertain Significance.

CHEO Genetics Diagnostic Laboratory, Children's Hospital of Eastern Ontario
Classification: Uncertain significance for Cardiomyopathy. Last evaluated: 2022-05-16. Review status: criteria provided, single submitter. Criteria: ACMG Guidelines, 2015. Collection method: clinical testing. Allele origin: germline.

GeneDx
Classification: Uncertain significance. Last evaluated: 2011-12-06. Review status: criteria provided, single submitter. Criteria: GeneDx Variant Classification (06012015). Collection method: clinical testing. Allele origin: germline. Affected: yes.
Comment: This variant is denoted p.Glu1125Gln (E1125Q) at the protein level and c.3373 G>C at the cDNA level. The Glu1125Gln variant in the MYH7 gene has not been reported previously as a disease-causing mutation or as a rare benign polymorphism, to our knowledge. The Glu1125Gln variant results in a semi-conservative amino acid substitution of a negatively charged Glutamic acid with an uncharged, polar Glutamine at a position that is only conserved in mammalian species. In silico analysis predicts Glu1125Gln is probably damaging to the protein structure and function. Additionally, the NHLBI ESP Exome Variant Server reports Glu1125Gln was not observed in at least 5,032 individuals from Caucasian and African American backgrounds, indicating it is not a common benign polymorphism in these populations. Nevertheless, no mutations in neighboring codons have been reported in association with cardiomyopathy. In summary, with the clinical and molecular information available at this time, we cannot unequivocally determine if Glu1125Gln is a disease-causing mutation or a rare benign polymorphism. The variant is found in HCM panel(s).

Literature cited by the submitters: PubMed 27532257 (cited by Ambry Genetics and Labcorp Genetics (formerly Invitae), Labcorp); PubMed 37652022 (cited by Labcorp Genetics (formerly Invitae), Labcorp).